The following is an entry in ClinVar:

ClinVar aggregate classification (germline): Benign/Likely benign. Review status: criteria provided, multiple submitters, no conflicts (2 of 4 stars). 9 submissions from 9 submitters: Benign (1); Likely benign (5). 3 of the submissions do not count toward it. Last evaluated 2025-12-29.

Conditions:
Cardiac anomalies - developmental delay - facial dysmorphism syndrome (MRFACD). Also called: Impaired intellectual development and distinctive facial features with or without cardiac defects; MED13L Syndrome. Identifiers: Orphanet 369891, MedGen C5192431, MONDO:0014773, OMIM 616789.
Inborn genetic diseases. Identifiers: MedGen C0950123, MeSH D030342.
Dextro-looped transposition of the great arteries. Also called: Dextrotransposition of the great arteries. Identifiers: Orphanet 860, MedGen C3531771, MONDO:0019443, OMIM 608808, HP:0031348.

Allele frequency attached by ClinVar (database versions not stated): gnomAD 0.00032; ExAC 0.00040; gnomAD exomes 0.00040 and 0.00073; TOPMed 0.00042; ESP Exome Variant Server 0.00092.
gnomAD v4.1: 1,106 of 1,614,036 alleles (0.069%); highest among the groups gnomAD compares: Non-Finnish European, 0.09%; 1 homozygote.

Submissions (9):

Labcorp Genetics (formerly Invitae), Labcorp
Classification: Likely benign for Dextro-looped transposition of the great arteries. Last evaluated: 2025-12-29. Review status: criteria provided, single submitter. Criteria: Invitae Variant Classification Sherloc (09022015). Collection method: clinical testing. Allele origin: germline.

CeGaT Center for Human Genetics Tuebingen
Classification: Likely benign. Last evaluated: 2025-09-01. Review status: criteria provided, single submitter. Criteria: CeGaT Center For Human Genetics Tuebingen Variant Classification Criteria Version 2. Collection method: clinical testing. Allele origin: germline. Affected: yes. Observed: 1 variant allele.
Comment: MED13L: BP4

Blueprint Genetics
Classification: Likely benign. Last evaluated: 2024-09-06. Review status: criteria provided, single submitter. Criteria: ACMG Guidelines, 2015. Collection method: clinical testing. Allele origin: germline.

Ambry Genetics
Classification: Likely benign for Inborn genetic diseases. Last evaluated: 2021-09-07. Review status: criteria provided, single submitter. Criteria: Ambry Variant Classification Scheme 2023. Collection method: clinical testing. Allele origin: germline.

Victorian Clinical Genetics Services, Murdoch Childrens Research Institute
Classification: Likely benign for Cardiac anomalies - developmental delay - facial dysmorphism syndrome. Last evaluated: 2021-05-06. Review status: criteria provided, single submitter. Criteria: ACMG Guidelines, 2015. Collection method: clinical testing. Allele origin: germline. Inheritance: Autosomal dominant inheritance.
Comment: Based on the classification scheme VCGS_Germline_v1.1.1, this variant is classified as Likely Benign. Following criteria are met: 0102 - Loss-of-function is a known mechanism of disease for this gene. (N) 0107 - This gene is known to be associated with autosomal dominant disease. (N) 0200 - Variant is predicted to result in a missense amino acid change from serine to leucine (exon 21). (N) 0251 - Variant is heterozygous. (N) 0302 - Variant is present in gnomAD (v2) <0.001 for a dominant condition (110 heterozygotes, 0 homozygotes). (P) 0309 - An alternative amino acid change at the same position has been observed in gnomAD (v3) (1 heterozygote, 0 homozygotes). (N) 0503 - Missense variant consistently predicted to be tolerated or not conserved in mammals with a minor amino acid change. (B) 0600 - Variant is located in an annotated domain or motif (MID domain of medPIWI (NCBI, PDB). (N) 0705 - No comparable variants have previous evidence for pathogenicity. (N) 0806 - Moderate previous evidence of neutrality in unrelated individuals. The variant has previously been classified as likely benign (ClinVar, LOVD). (B) 0905 - No segregation evidence has been identified for this variant. (N) 1007 - No published functional evidence has been identified for this variant. (N) 1208 - Inheritance information for this variant is not currently available. (N) Legend: (P) - Pathogenic, (N) - Neutral, (B) - Benign

GeneDx
Classification: Benign. Last evaluated: 2020-02-03. Review status: criteria provided, single submitter. Criteria: GeneDx Variant Classification Process June 2021. Collection method: clinical testing. Allele origin: germline. Affected: yes.

Genome Diagnostics Laboratory, University Medical Center Utrecht
Classification: Likely benign. Review status: no assertion criteria provided. Collection method: clinical testing. Allele origin: germline. Affected: yes. Study: VKGL Data-share Consensus. Not counted in ClinVar's aggregate classification.

Joint Genome Diagnostic Labs from Nijmegen and Maastricht, Radboudumc and MUMC+
Classification: Likely benign. Review status: no assertion criteria provided. Collection method: clinical testing. Allele origin: germline. Affected: yes. Study: VKGL Data-share Consensus. Not counted in ClinVar's aggregate classification.

Laboratory of Diagnostic Genome Analysis, Leiden University Medical Center (LUMC)
Classification: Likely benign. Review status: no assertion criteria provided. Collection method: clinical testing. Allele origin: germline. Affected: yes. Study: VKGL Data-share Consensus. Not counted in ClinVar's aggregate classification.

NM_015335.5(MED13L):c.4697C>T (p.Ser1566Leu)

Gene: MED13L (mediator complex subunit 13L; minus strand). Cytogenetic location: 12q24.21.
Variant type: single nucleotide variant.
Coding change: c.4697C>T on transcript NM_015335.5 (MANE Select); coding-DNA position 4697, C replaced by T.
Protein change: p.Ser1566Leu; replaces serine 1566 with leucine.
Molecular consequence: missense variant.
Genome position (GRCh38, 1-based): chr12:115,983,375, G>A on the plus strand (C>T on the coding strand, the complement: MED13L is on the minus strand). VCF-style: chr12-115983375-G-A. GRCh37 (hg19) VCF-style: chr12-116421180-G-A.
Other names: short protein forms S1566L.
Identifiers: ClinVar variation 798196 (VCV000798196.25), dbSNP rs113890513, ClinGen allele CA6810746.